The following is an entry in ClinVar:

ClinVar aggregate classification (germline): Uncertain significance (1 of 4 stars; one submission).

Conditions:
Nemaline myopathy 2 (NEM2). Also called: Nemaline myopathy 2, autosomal recessive. Identifiers: MedGen C1850569, MONDO:0009725, OMIM 256030.

Allele frequency attached by ClinVar (database versions not stated): ExAC 0.00001.
gnomAD v4.1: 3 of 1,613,800 alleles (0.00019%); highest among the groups gnomAD compares: Non-Finnish European, 0.00025%; no homozygotes.

Submission:

Labcorp Genetics (formerly Invitae), Labcorp
Classification: Uncertain significance for Nemaline myopathy 2. Last evaluated: 2021-08-06. Review status: criteria provided, single submitter. Criteria: Invitae Variant Classification Sherloc (09022015). Collection method: clinical testing. Allele origin: germline.
Comment: This sequence change replaces glycine with alanine at codon 469 of the NEB protein (p.Gly469Ala). The glycine residue is moderately conserved and there is a small physicochemical difference between glycine and alanine. This variant is present in population databases (rs762704467, ExAC 0.001%). This variant has not been reported in the literature in individuals affected with NEB-related conditions. Algorithms developed to predict the effect of missense changes on protein structure and function are either unavailable or do not agree on the potential impact of this missense change (SIFT: "Tolerated"; PolyPhen-2: "Not Available"; Align-GVGD: "Class C0"). In summary, the available evidence is currently insufficient to determine the role of this variant in disease. Therefore, it has been classified as a Variant of Uncertain Significance.

NM_001164508.2(NEB):c.1406G>C (p.Gly469Ala)

Gene: NEB (nebulin; minus strand). Cytogenetic location: 2q23.3.
Variant type: single nucleotide variant.
Coding change: c.1406G>C on transcript NM_001164508.2 (MANE Select); coding-DNA position 1406, G replaced by C.
Protein change: p.Gly469Ala; replaces glycine 469 with alanine.
Molecular consequence: missense variant.
Genome position (GRCh38, 1-based): chr2:151,697,212, C>G on the plus strand (G>C on the coding strand, the complement: NEB is on the minus strand). VCF-style: chr2-151697212-C-G. GRCh37 (hg19) VCF-style: chr2-152553726-C-G.
Other names: c.1406G>C, p.Gly469Ala (NM_001164507.2, NM_001271208.2, NM_004543.5); short protein forms G469A.
Identifiers: ClinVar variation 2066971 (VCV002066971.1), dbSNP rs762704467, ClinGen allele CA1911572.